The following is an entry in ClinVar:

ClinVar aggregate classification (germline): Uncertain significance (1 of 4 stars; one submission).

Conditions:
Hereditary orotic aciduria, type 1. Also called: Orotic aciduria type 1; Oroticaciduria 1. Identifiers: MedGen C0268130.

Submission:

Labcorp Genetics (formerly Invitae), Labcorp
Classification: Uncertain significance for Hereditary orotic aciduria, type 1. Last evaluated: 2020-11-14. Review status: criteria provided, single submitter. Criteria: Invitae Variant Classification Sherloc (09022015). Collection method: clinical testing. Allele origin: germline.
Comment: This sequence change replaces glutamine with leucine at codon 19 of the UMPS protein (p.Gln19Leu). The glutamine residue is weakly conserved and there is a moderate physicochemical difference between glutamine and leucine. This variant is not present in population databases (ExAC no frequency). This variant has not been reported in the literature in individuals with UMPS-related conditions. Algorithms developed to predict the effect of missense changes on protein structure and function (SIFT, PolyPhen-2, Align-GVGD) all suggest that this variant is likely to be tolerated, but these predictions have not been confirmed by published functional studies and their clinical significance is uncertain. In summary, the available evidence is currently insufficient to determine the role of this variant in disease. Therefore, it has been classified as a Variant of Uncertain Significance.

NM_000373.4(UMPS):c.56A>T (p.Gln19Leu)

Gene: UMPS (uridine monophosphate synthetase; plus strand). Cytogenetic location: 3q21.2.
Variant type: single nucleotide variant.
Coding change: c.56A>T on transcript NM_000373.4 (MANE Select); coding-DNA position 56, A replaced by T.
Protein change: p.Gln19Leu; replaces glutamine 19 with leucine.
Molecular consequence: missense variant. On other transcripts: non-coding transcript variant (2).
Genome position (GRCh38, 1-based): chr3:124,730,527, A>T. VCF-style: chr3-124730527-A-T. GRCh37 (hg19) VCF-style: chr3-124449374-A-T.
Other names: short protein forms Q19L.
Identifiers: ClinVar variation 1503716 (VCV001503716.8), dbSNP rs2150889339, ClinGen allele CA354268431.